The following is an entry in ClinVar:

ClinVar aggregate classification (germline): Uncertain significance (1 of 4 stars; one submission).

Conditions:
Congenital myasthenic syndrome 8. Also called: MYASTHENIC SYNDROME, CONGENITAL, DUE TO AGRIN DEFICIENCY; Myasthenic syndrome, congenital, 8, with pre- and postsynaptic defects. Identifiers: Orphanet 590, MedGen C3808739, MONDO:0014052, OMIM 615120.

Allele frequency attached by ClinVar (database versions not stated): gnomAD 0.00001; gnomAD exomes 0.00002 and 0.00005; TOPMed 0.00002.
gnomAD v4.1: 22 of 1,551,440 alleles (0.0014%); highest among the groups gnomAD compares: South Asian, 0.0059%; no homozygotes.

Submission:

Labcorp Genetics (formerly Invitae), Labcorp
Classification: Uncertain significance for Congenital myasthenic syndrome 8. Last evaluated: 2025-10-02. Review status: criteria provided, single submitter. Criteria: Invitae Variant Classification Sherloc (09022015). Collection method: clinical testing. Allele origin: germline.
Comment: This sequence change replaces arginine, which is basic and polar, with glutamine, which is neutral and polar, at codon 2018 of the AGRN protein (p.Arg2018Gln). This variant is present in population databases (rs766936338, gnomAD 0.01%). This variant has not been reported in the literature in individuals affected with AGRN-related conditions. ClinVar contains an entry for this variant (Variation ID: 1427108). An algorithm developed to predict the effect of missense changes on protein structure and function (PolyPhen-2) suggests that this variant is likely to be disruptive. In summary, the available evidence is currently insufficient to determine the role of this variant in disease. Therefore, it has been classified as a Variant of Uncertain Significance.

NM_198576.4(AGRN):c.6053G>A (p.Arg2018Gln)

Gene: AGRN (agrin; plus strand). Cytogenetic location: 1p36.33.
Variant type: single nucleotide variant.
Coding change: c.6053G>A on transcript NM_198576.4 (MANE Select); coding-DNA position 6053, G replaced by A.
Protein change: p.Arg2018Gln; replaces arginine 2018 with glutamine.
Molecular consequence: missense variant.
Genome position (GRCh38, 1-based): chr1:1,054,896, G>A. VCF-style: chr1-1054896-G-A. GRCh37 (hg19) VCF-style: chr1-990276-G-A.
Other names: c.6122G>A, p.Arg2041Gln (NM_001305275.2); c.5750G>A, p.Arg1917Gln (NM_001364727.2); short protein forms R2041Q, R2018Q, R1917Q.
Identifiers: ClinVar variation 1427108 (VCV001427108.4), dbSNP rs766936338, ClinGen allele CA510319.